The following is an entry in ClinVar:

ClinVar aggregate classification (germline): Conflicting classifications of pathogenicity. Review status: criteria provided, conflicting classifications (1 of 4 stars). 8 submissions from 8 submitters: Uncertain significance (4); Likely benign (4). Last evaluated 2026-01-25.

Conditions:
Malignant hyperthermia, susceptibility to, 1 (MHS1). Also called: RYR1-Related Malignant Hyperthermia Susceptibility; Anesthesia related hyperthermia; Malignant hyperpyrexia; Fulminating hyperpyrexia; Pharmacogenic myopathy; Malignant hyperthermia suceptibility 1. Identifiers: Orphanet 423, MedGen C2930980, MONDO:0007783, OMIM 145600.
RYR1-related disorder. Also called: RYR1-related disorders; RYR1-related condition. Identifiers: MedGen CN239331.

Allele frequency attached by ClinVar (database versions not stated): 1000 Genomes Project 30x 0.00031; 1000 Genomes Project 0.00040; gnomAD 0.00003; TOPMed 0.00014.
gnomAD v4.1: 199 of 1,613,578 alleles (0.012%); highest among the groups gnomAD compares: Admixed American, 0.22%; no homozygotes.

Submissions (8):

Labcorp Genetics (formerly Invitae), Labcorp
Classification: Likely benign for RYR1-related disorder. Last evaluated: 2026-01-25. Review status: criteria provided, single submitter. Criteria: Invitae Variant Classification Sherloc (09022015). Collection method: clinical testing. Allele origin: germline.

Revvity Omics, Revvity
Classification: Uncertain significance. Last evaluated: 2025-04-09. Review status: criteria provided, single submitter. Criteria: ACMG Guidelines, 2015. Collection method: clinical testing. Allele origin: germline.

Mayo Clinic Laboratories, Mayo Clinic
Classification: Uncertain significance. Last evaluated: 2025-01-12. Review status: criteria provided, single submitter. Criteria: ACMG Guidelines, 2015. Collection method: clinical testing. Allele origin: germline. Observed: 1 variant allele.

GeneDx
Classification: Uncertain significance. Last evaluated: 2024-12-10. Review status: criteria provided, single submitter. Criteria: GeneDx Variant Classification Process June 2021. Collection method: clinical testing. Allele origin: germline. Affected: yes.
Comment: In silico analysis supports that this missense variant has a deleterious effect on protein structure/function; Has not been previously published as pathogenic or benign to our knowledge; This variant is associated with the following publications: (PMID: 33767344)

Blueprint Genetics
Classification: Likely benign. Last evaluated: 2024-08-30. Review status: criteria provided, single submitter. Criteria: ACMG Guidelines, 2015. Collection method: clinical testing. Allele origin: germline.

Women's Health and Genetics/Laboratory Corporation of America, LabCorp
Classification: Likely benign. Last evaluated: 2023-06-08. Review status: criteria provided, single submitter. Criteria: LabCorp Variant Classification Summary - May 2015. Collection method: clinical testing. Allele origin: germline.

Color Diagnostics, LLC DBA Color Health
Classification: Likely benign for Malignant hyperthermia, susceptibility to, 1. Last evaluated: 2022-09-16. Review status: criteria provided, single submitter. Criteria: ACMG Guidelines, 2015. Collection method: clinical testing. Allele origin: germline.

Athena Diagnostics
Classification: Uncertain significance. Last evaluated: 2018-12-27. Review status: criteria provided, single submitter. Criteria: Athena Diagnostics Criteria. Collection method: clinical testing. Allele origin: germline.

NM_000540.3(RYR1):c.614G>C (p.Cys205Ser)

Gene: RYR1 (ryanodine receptor 1; plus strand). Cytogenetic location: 19q13.2.
Variant type: single nucleotide variant.
Coding change: c.614G>C on transcript NM_000540.3 (MANE Select); coding-DNA position 614, G replaced by C.
Protein change: p.Cys205Ser; replaces cysteine 205 with serine.
Molecular consequence: missense variant.
Genome position (GRCh38, 1-based): chr19:38,444,660, G>C. VCF-style: chr19-38444660-G-C. GRCh37 (hg19) VCF-style: chr19-38935300-G-C.
Other names: p.Cys205Ser; c.614G>C, p.Cys205Ser (NM_001042723.2); short protein forms C205S.
Identifiers: ClinVar variation 478246 (VCV000478246.24), dbSNP rs201834803, ClinGen allele CA067833.